The following is an entry in ClinVar:

NM_024675.4(PALB2):c.3351G>A (p.Arg1117=)

Gene: PALB2 (partner and localizer of BRCA2; minus strand). Cytogenetic location: 16p12.2.
Variant type: single nucleotide variant.
Coding change: c.3351G>A on transcript NM_024675.4 (MANE Select); coding-DNA position 3351, G replaced by A.
Protein change: p.Arg1117=; no amino-acid change (arginine 1117 retained).
Molecular consequence: synonymous variant.
Genome position (GRCh38, 1-based): chr16:23,603,669, C>T on the plus strand (G>A on the coding strand, the complement: PALB2 is on the minus strand). VCF-style: chr16-23603669-C-T. GRCh37 (hg19) VCF-style: chr16-23614990-C-T.
Other names: c.3351G>A (NM_024675.3).
Identifiers: ClinVar variation 1053913 (VCV001053913.9), dbSNP rs1966406887, ClinGen allele CA494173844.

ClinVar aggregate classification (germline): Conflicting classifications of pathogenicity. Review status: criteria provided, conflicting classifications (1 of 4 stars). 2 submissions from 2 submitters: Uncertain significance (1); Likely benign (1). Last evaluated 2024-03-09.

Conditions:
Hereditary cancer-predisposing syndrome. Also called: Hereditary Cancer Syndrome; Tumor predisposition; Hereditary neoplastic syndrome; Neoplastic Syndromes, Hereditary. Identifiers: Orphanet 140162, MedGen C0027672, MeSH D009386, MONDO:0015356.
Familial cancer of breast. Also called: BREAST CANCER, FAMILIAL; Hereditary breast cancer; hereditary breast carcinoma. Identifiers: Orphanet 227535, MedGen C0346153, MONDO:0016419, OMIM 114480. Disease mechanism: loss of function.

Allele frequency attached by ClinVar (database versions not stated): gnomAD exomes below 0.00001; gnomAD 0.00001.
gnomAD v4.1: 4 of 1,611,820 alleles (0.00025%); highest among the groups gnomAD compares: East Asian, 0.0022%; no homozygotes.

Submissions (2):

Ambry Genetics
Classification: Likely benign for Hereditary cancer-predisposing syndrome. Last evaluated: 2024-03-09. Review status: criteria provided, single submitter. Criteria: Ambry Variant Classification Scheme 2023. Collection method: clinical testing. Allele origin: germline.

Labcorp Genetics (formerly Invitae), Labcorp
Classification: Uncertain significance for Familial cancer of breast. Last evaluated: 2023-09-08. Review status: criteria provided, single submitter. Criteria: Invitae Variant Classification Sherloc (09022015). Collection method: clinical testing. Allele origin: germline.
Comment: In summary, the available evidence is currently insufficient to determine the role of this variant in disease. Therefore, it has been classified as a Variant of Uncertain Significance. Algorithms developed to predict the effect of sequence changes on RNA splicing suggest that this variant is not likely to affect RNA splicing. This sequence change affects codon 1117 of the PALB2 mRNA. It is a 'silent' change, meaning that it does not change the encoded amino acid sequence of the PALB2 protein. It affects a nucleotide within the consensus splice site. This variant is not present in population databases (gnomAD no frequency). This variant has not been reported in the literature in individuals affected with PALB2-related conditions. ClinVar contains an entry for this variant (Variation ID: 1053913).